The following is an entry in ClinVar:

NM_201384.3(PLEC):c.7581A>C (p.Ala2527=)

Gene: PLEC (plectin; minus strand). Cytogenetic location: 8q24.3.
Variant type: single nucleotide variant.
Coding change: c.7581A>C on transcript NM_201384.3 (MANE Select); coding-DNA position 7581, A replaced by C.
Protein change: p.Ala2527=; no amino-acid change (alanine 2527 retained).
Molecular consequence: synonymous variant.
Genome position (GRCh38, 1-based): chr8:143,922,240, T>G on the plus strand (A>C on the coding strand, the complement: PLEC is on the minus strand). VCF-style: chr8-143922240-T-G. GRCh37 (hg19) VCF-style: chr8-144996408-T-G.
Other names: p.Ala2513=; c.7662A>C, p.Ala2554= (NM_000445.5); c.7539A>C, p.Ala2513= (NM_201378.4); c.7515A>C, p.Ala2505= (NM_201379.3); c.7992A>C, p.Ala2664= (NM_201380.4); c.7485A>C, p.Ala2495= (NM_201381.3); c.7581A>C, p.Ala2527= (NM_201382.4); c.7593A>C, p.Ala2531= (NM_201383.3).
Identifiers: ClinVar variation 93078 (VCV000093078.26), dbSNP rs11778026, ClinGen allele CA146545.

ClinVar aggregate classification (germline): Benign. Review status: criteria provided, multiple submitters, no conflicts (2 of 4 stars). 14 submissions from 10 submitters: Benign (13). 1 of the submissions does not count toward it. Last evaluated 2026-02-04.

Conditions:
Autosomal recessive limb-girdle muscular dystrophy type 2Q (LGMDR17). Also called: MUSCULAR DYSTROPHY, LIMB-GIRDLE, AUTOSOMAL RECESSIVE 17. Identifiers: Orphanet 254361, MedGen C3150989, MONDO:0013390, OMIM 613723.
Epidermolysis bullosa simplex 5C, with pyloric atresia (EBS5C). Also called: PLEC-Related Epidermolysis Bullosa with Pyloric Atresia; Epidermolysis bullosa simplex with pyloric atresia; PLEC1-Related Epidermolysis Bullosa with Pyloric Atresia. Identifiers: Orphanet 158684, MedGen C2677349, MONDO:0012807, OMIM 612138.
Epidermolysis bullosa simplex 5B, with muscular dystrophy (EBS5B). Also called: EPIDERMOLYSIS BULLOSA SIMPLEX AND LIMB-GIRDLE MUSCULAR DYSTROPHY; Epidermolysis bullosa simplex with muscular dystrophy. Identifiers: Orphanet 257, MedGen C2931072, MONDO:0009181, OMIM 226670.
Epidermolysis bullosa simplex with nail dystrophy (EBS5D). Identifiers: MedGen C4225309, MONDO:0014661, OMIM 616487.
Epidermolysis bullosa simplex, Ogna type (EBS5A). Also called: EPIDERMOLYSIS BULLOSA SIMPLEX 5A, OGNA TYPE; Pidermolysis bullosa simplex 5A, Ogna type. Identifiers: Orphanet 79401, MedGen C0432317, MONDO:0007555, OMIM 131950.

Allele frequency attached by ClinVar (database versions not stated): 1000 Genomes Project 30x 0.22923; 1000 Genomes Project 0.23103; TOPMed 0.28136; ESP Exome Variant Server 0.29504; gnomAD 0.29910 and 0.30095; gnomAD exomes 0.33576 and 0.39684; ExAC 0.42970.

Submissions (14):

Labcorp Genetics (formerly Invitae), Labcorp
Classification: Benign for Autosomal recessive limb-girdle muscular dystrophy type 2Q; Epidermolysis bullosa simplex, Ogna type; Epidermolysis bullosa simplex with nail dystrophy; Epidermolysis bullosa simplex 5C, with pyloric atresia; Epidermolysis bullosa simplex 5B, with muscular dystrophy. Last evaluated: 2026-02-04. Review status: criteria provided, single submitter. Criteria: Invitae Variant Classification Sherloc (09022015). Collection method: clinical testing. Allele origin: germline.

Blueprint Genetics
Classification: Benign. Last evaluated: 2024-11-27. Review status: criteria provided, single submitter. Criteria: ACMG Guidelines, 2015. Collection method: clinical testing. Allele origin: germline.

Genome-Nilou Lab
Classification: Benign for Epidermolysis bullosa simplex with nail dystrophy. Last evaluated: 2021-10-25. Review status: criteria provided, single submitter. Criteria: ACMG Guidelines, 2015. Collection method: clinical testing. Allele origin: germline. Affected: no.

Genome-Nilou Lab
Classification: Benign for Epidermolysis bullosa simplex, Ogna type. Last evaluated: 2021-10-25. Review status: criteria provided, single submitter. Criteria: ACMG Guidelines, 2015. Collection method: clinical testing. Allele origin: germline. Affected: no.

Genome-Nilou Lab
Classification: Benign for Epidermolysis bullosa simplex 5B, with muscular dystrophy. Last evaluated: 2021-10-25. Review status: criteria provided, single submitter. Criteria: ACMG Guidelines, 2015. Collection method: clinical testing. Allele origin: germline. Affected: no.

Genome-Nilou Lab
Classification: Benign for Epidermolysis bullosa simplex 5C, with pyloric atresia. Last evaluated: 2021-10-25. Review status: criteria provided, single submitter. Criteria: ACMG Guidelines, 2015. Collection method: clinical testing. Allele origin: germline. Affected: no.

Genome-Nilou Lab
Classification: Benign for Autosomal recessive limb-girdle muscular dystrophy type 2Q. Last evaluated: 2021-10-25. Review status: criteria provided, single submitter. Criteria: ACMG Guidelines, 2015. Collection method: clinical testing. Allele origin: germline. Affected: no.

Mayo Clinic Laboratories, Mayo Clinic
Classification: Benign. Last evaluated: 2017-07-24. Review status: criteria provided, single submitter. Criteria: ACMG Guidelines, 2015. Collection method: clinical testing. Allele origin: germline. Observed: 784 variant alleles.

GeneDx
Classification: Benign. Last evaluated: 2016-01-05. Review status: criteria provided, single submitter. Criteria: GeneDx Variant Classification (06012015). Collection method: clinical testing. Allele origin: germline. Affected: yes.
Comment: This variant is considered likely benign or benign based on one or more of the following criteria: it is a conservative change, it occurs at a poorly conserved position in the protein, it is predicted to be benign by multiple in silico algorithms, and/or has population frequency not consistent with disease.

Laboratory for Molecular Medicine, Mass General Brigham Personalized Medicine
Classification: Benign. Last evaluated: 2015-01-13. Review status: criteria provided, single submitter. Criteria: LMM Criteria. Collection method: clinical testing. Allele origin: germline. Observed: 8 variant alleles.
Comment: p.Ala2664Ala in exon 32 of PLEC: This variant is not expected to have clinical s ignificance because it does not alter an amino acid residue and is not located w ithin the splice consensus sequence. It has been identified in 40.1% (3440/8572) of European American chromosomes from a broad population by the NHLBI Exome Seq uencing Project (dbSNP rs11778026).

Eurofins Ntd Llc (ga)
Classification: Benign. Last evaluated: 2013-04-18. Review status: criteria provided, single submitter. Criteria: EGL Classification Definitions 2015. Collection method: clinical testing. Allele origin: germline. Observed: 5 variant alleles, 4 heterozygotes, 1 homozygote.

Breakthrough Genomics
Classification: Benign. Review status: criteria provided, single submitter. Criteria: ACMG Guidelines, 2015. Collection method: not provided. Allele origin: germline. Inheritance: Autosomal recessive inheritance. Affected: yes.

PreventionGenetics, part of Exact Sciences
Classification: Benign. Review status: criteria provided, single submitter. Criteria: ACMG Guidelines, 2015. Collection method: clinical testing. Allele origin: germline.

Genetic Services Laboratory, University of Chicago
Classification: Likely benign for AllHighlyPenetrant. Review status: no assertion criteria provided. Collection method: clinical testing. Allele origin: germline. Inheritance: Autosomal recessive inheritance. Not counted in ClinVar's aggregate classification.
Comment: Likely benign based on allele frequency in 1000 Genomes Project or ESP global frequency and its presence in a patient with a rare or unrelated disease phenotype. NOT Sanger confirmed.